The following is an entry in ClinVar:

ClinVar aggregate classification (germline): Uncertain significance (1 of 4 stars; one submission).

Submission:

Ambry Genetics
Classification: Uncertain significance. Last evaluated: 2022-10-27. Review status: criteria provided, single submitter. Criteria: Ambry Variant Classification Scheme 2023. Collection method: clinical testing. Allele origin: germline.
Comment: The p.D1738G variant (also known as c.5213A>G), located in coding exon 45 of the KIF1B gene, results from an A to G substitution at nucleotide position 5213. The aspartic acid at codon 1738 is replaced by glycine, an amino acid with similar properties. This amino acid position is conserved. In addition, this alteration is predicted to be tolerated by in silico analysis. Since supporting evidence is limited at this time, the clinical significance of this alteration remains unclear.

NM_001365951.3(KIF1B):c.5351A>G (p.Asp1784Gly)

Gene: KIF1B (kinesin family member 1B; plus strand). Cytogenetic location: 1p36.22.
Variant type: single nucleotide variant.
Coding change: c.5351A>G on transcript NM_001365951.3 (MANE Select); coding-DNA position 5351, A replaced by G.
Protein change: p.Asp1784Gly; replaces aspartic acid 1784 with glycine.
Molecular consequence: missense variant.
Genome position (GRCh38, 1-based): chr1:10,375,316, A>G. VCF-style: chr1-10375316-A-G. GRCh37 (hg19) VCF-style: chr1-10435374-A-G.
Other names: c.5351A>G, p.Asp1784Gly (NM_001365952.1); c.5213A>G, p.Asp1738Gly (NM_015074.3); short protein forms D1784G, D1738G.
Identifiers: ClinVar variation 1746118 (VCV001746118.2), dbSNP rs2521986642, ClinGen allele CA338331921.